The following is an entry in ClinVar:

ClinVar aggregate classification (germline): Pathogenic (1 of 4 stars; one submission).

Conditions:
Primary ciliary dyskinesia 3. Identifiers: Orphanet 244, MedGen C1837618, MONDO:0012085, OMIM 608644.

Submission:

Myriad Genetics, Inc.
Classification: Pathogenic for Primary ciliary dyskinesia 3. Last evaluated: 2024-05-14. Review status: criteria provided, single submitter. Criteria: Myriad Autosomal Dominant, Autosomal Recessive and X-Linked Classification Criteria (2023). Collection method: clinical testing. Allele origin: unknown.
Comment: NM_001369.2(DNAH5):c.1658_1659ins11(K553Nfs*21) is expected to be pathogenic in the context of primary ciliary dyskinesia, DNAH5-related. This variant is predicted to lead to an abnormal or absent protein product due to the creation of a premature termination codon in DNAH5, a gene where loss-of-function variants are known to be pathogenic. Please note: this variant was assessed in the context of healthy population screening.

NM_001369.3(DNAH5):c.1658_1659insTAAGAGACAGT (p.Lys553fs)

Gene: DNAH5 (dynein axonemal heavy chain 5; minus strand). Cytogenetic location: 5p15.2.
Variant type: Insertion.
Coding change: c.1658_1659insTAAGAGACAGT on transcript NM_001369.3 (MANE Select); coding-DNA positions 1658 to 1659, TAAGAGACAGT inserted.
Protein change: p.Lys553fs; shifts the reading frame from lysine 553.
Molecular consequence: frameshift variant.
Genome position: GRCh38 VCF-style: chr5-13902124-C-CACTGTCTCTTA. GRCh37 (hg19) VCF-style: chr5-13902233-C-CACTGTCTCTTA.
Other names: short protein forms K553fs.
Identifiers: ClinVar variation 5011057 (VCV005011057.1).